The following is an entry in ClinVar:

ClinVar aggregate classification (germline): Uncertain significance (1 of 4 stars; one submission).

Allele frequency attached by ClinVar (database versions not stated): gnomAD 0.00001; TOPMed 0.00001.
gnomAD v4.1: 1 of 1,613,944 alleles (0.000062%); highest among the groups gnomAD compares: African/African-American, 0.0013%; no homozygotes.

Submission:

Labcorp Genetics (formerly Invitae), Labcorp
Classification: Uncertain significance. Last evaluated: 2023-07-10. Review status: criteria provided, single submitter. Criteria: Invitae Variant Classification Sherloc (09022015). Collection method: clinical testing. Allele origin: germline.
Comment: This variant is not present in population databases (gnomAD no frequency). This sequence change replaces glutamine, which is neutral and polar, with arginine, which is basic and polar, at codon 933 of the USH2A protein (p.Gln933Arg). This variant has not been reported in the literature in individuals affected with USH2A-related conditions. In summary, the available evidence is currently insufficient to determine the role of this variant in disease. Therefore, it has been classified as a Variant of Uncertain Significance. Advanced modeling of protein sequence and biophysical properties (such as structural, functional, and spatial information, amino acid conservation, physicochemical variation, residue mobility, and thermodynamic stability) performed at Invitae indicates that this missense variant is not expected to disrupt USH2A protein function.

NM_206933.4(USH2A):c.2798A>G (p.Gln933Arg)

Genes: USH2A (usherin; minus strand), LOC122152296 (Sharpr-MPRA regulatory region 8762; plus strand). Cytogenetic location: 1q41.
Variant type: single nucleotide variant.
Coding change: c.2798A>G on transcript NM_206933.4 (MANE Select); coding-DNA position 2798, A replaced by G.
Protein change: p.Gln933Arg; replaces glutamine 933 with arginine.
Molecular consequence: missense variant.
Genome position (GRCh38, 1-based): chr1:216,246,596, T>C on the plus strand (A>G on the coding strand, the complement: USH2A is on the minus strand). VCF-style: chr1-216246596-T-C. GRCh37 (hg19) VCF-style: chr1-216419938-T-C.
Other names: c.2798A>G, p.Gln933Arg (NM_007123.6); short protein forms Q933R.
Identifiers: ClinVar variation 1389799 (VCV001389799.6), dbSNP rs988723895, ClinGen allele CA37500964.